The following is an entry in ClinVar:

NM_012193.4(FZD4):c.1268A>G (p.Asp423Gly)

Genes: PRSS23 (serine protease 23; plus strand), FZD4 (frizzled class receptor 4; minus strand). Cytogenetic location: 11q14.2.
Variant type: single nucleotide variant.
Coding change: c.1268A>G on transcript NM_012193.4 (MANE Select); coding-DNA position 1268, A replaced by G.
Protein change: p.Asp423Gly; replaces aspartic acid 423 with glycine.
Molecular consequence: missense variant. On other transcripts: non-coding transcript variant (2).
Genome position (GRCh38, 1-based): chr11:86,951,488, T>C on the plus strand (A>G on the coding strand, the complement: FZD4 is on the minus strand). VCF-style: chr11-86951488-T-C. GRCh37 (hg19) VCF-style: chr11-86662530-T-C.
Other names: short protein forms D423G.
Identifiers: ClinVar variation 1062228 (VCV001062228.9), dbSNP rs952974198, ClinGen allele CA382012120.

ClinVar aggregate classification (germline): Uncertain significance (1 of 4 stars; one submission).

Submission:

Labcorp Genetics (formerly Invitae), Labcorp
Classification: Uncertain significance. Last evaluated: 2022-02-10. Review status: criteria provided, single submitter. Criteria: Invitae Variant Classification Sherloc (09022015). Collection method: clinical testing. Allele origin: germline.
Comment: This variant is not present in population databases (gnomAD no frequency). This variant has not been reported in the literature in individuals affected with FZD4-related conditions. ClinVar contains an entry for this variant (Variation ID: 1062228). Algorithms developed to predict the effect of missense changes on protein structure and function are either unavailable or do not agree on the potential impact of this missense change (SIFT: "Deleterious"; PolyPhen-2: "Benign"; Align-GVGD: "Class C0"). Algorithms developed to predict the effect of sequence changes on RNA splicing suggest that this variant may create or strengthen a splice site. In summary, the available evidence is currently insufficient to determine the role of this variant in disease. Therefore, it has been classified as a Variant of Uncertain Significance. This sequence change replaces aspartic acid, which is acidic and polar, with glycine, which is neutral and non-polar, at codon 423 of the FZD4 protein (p.Asp423Gly).